The following is an entry in ClinVar:

NM_002334.4(LRP4):c.70G>A (p.Glu24Lys)

Gene: LRP4 (LDL receptor related protein 4; minus strand). Cytogenetic location: 11p11.2.
Variant type: single nucleotide variant.
Coding change: c.70G>A on transcript NM_002334.4 (MANE Select); coding-DNA position 70, G replaced by A.
Protein change: p.Glu24Lys; replaces glutamic acid 24 with lysine.
Molecular consequence: missense variant.
Genome position (GRCh38, 1-based): chr11:46,902,912, C>T on the plus strand (G>A on the coding strand, the complement: LRP4 is on the minus strand). VCF-style: chr11-46902912-C-T. GRCh37 (hg19) VCF-style: chr11-46924463-C-T.
Other names: short protein forms E24K.
Identifiers: ClinVar variation 942048 (VCV000942048.11), dbSNP rs200465829, ClinGen allele CA5970608.
Genomic context (GRCh38, chr11:46,902,912, plus strand): 5'-AGGTACACTCTCCAAGAGCACTCACTGCACATGTGAAGTGGCTCCGACCACAAGCACACT[C>T]GGGGCTGCTGGCCAGGCCTGGGCGGAGGGAAAAGGAATCAGTGAGGGCTCAGCTCCCACT-3'
Protein context (NP_002325.2, residues 14-34): LCAHGLASSP[Glu24Lys]CACGRSHFTC

ClinVar aggregate classification (germline): Uncertain significance. Review status: criteria provided, multiple submitters, no conflicts (2 of 4 stars). 5 submissions from 5 submitters: Uncertain significance (5). Last evaluated 2026-05-28.

Conditions:
Congenital myasthenic syndrome 17. Identifiers: Orphanet 590, MedGen C4225377, MONDO:0014578, OMIM 616304.
Cenani-Lenz syndactyly syndrome. Also called: SYNDACTYLY, TYPE VII; CENANI SYNDACTYLISM. Identifiers: Orphanet 3258, MedGen C1859309, MONDO:0008931, OMIM 212780.
Sclerosteosis 2 (SOST2). Identifiers: Orphanet 3152, MedGen C3280402, MONDO:0013679, OMIM 614305.
Inborn genetic diseases. Identifiers: MedGen C0950123, MeSH D030342.

Allele frequency attached by ClinVar (database versions not stated): TOPMed 0.00007; gnomAD 0.00011 and 0.00009; gnomAD exomes 0.00019 and 0.00010; 1000 Genomes Project 0.00020; ESP Exome Variant Server 0.00008; 1000 Genomes Project 30x 0.00016; ExAC 0.00019.

Submissions (6):

Women's Health and Genetics/Laboratory Corporation of America, LabCorp
Classification: Uncertain significance. Last evaluated: 2026-05-28. Review status: criteria provided, single submitter. Criteria: LabCorp Variant Classification Summary - May 2015. Collection method: clinical testing. Allele origin: germline.
Comment: Variant summary: LRP4 c.70G>A (p.Glu24Lys) results in a conservative amino acid change in the encoded protein sequence. Algorithms developed to predict the effect of missense changes on protein structure and function are either unavailable or do not agree on the potential impact of this missense change. The variant allele was found at a frequency of 0.00019 in 251126 control chromosomes. This frequency is not significantly higher than estimated for disease-causing variants in LRP4, allowing no conclusion about variant significance. To our knowledge, no occurrence of c.70G>A in individuals affected with LRP4-related conditions and no experimental evidence demonstrating its impact on protein function have been reported. ClinVar contains an entry for this variant (Variation ID: 942048). Based on the evidence outlined above, the variant was classified as uncertain significance.

Labcorp Genetics (formerly Invitae), Labcorp
Classification: Uncertain significance for Cenani-Lenz syndactyly syndrome; Sclerosteosis 2; Congenital myasthenic syndrome 17. Last evaluated: 2024-01-15. Review status: criteria provided, single submitter. Criteria: Invitae Variant Classification Sherloc (09022015). Collection method: clinical testing. Allele origin: germline.
Comment: This sequence change replaces glutamic acid, which is acidic and polar, with lysine, which is basic and polar, at codon 24 of the LRP4 protein (p.Glu24Lys). This variant is present in population databases (rs200465829, gnomAD 0.08%). This variant has not been reported in the literature in individuals affected with LRP4-related conditions. ClinVar contains an entry for this variant (Variation ID: 942048). An algorithm developed to predict the effect of missense changes on protein structure and function (PolyPhen-2) suggests that this variant¬†is likely to be tolerated. In summary, the available evidence is currently insufficient to determine the role of this variant in disease. Therefore, it has been classified as a Variant of Uncertain Significance.

Ambry Genetics
Classification: Uncertain significance for Inborn genetic diseases. Last evaluated: 2022-05-25. Review status: criteria provided, single submitter. Criteria: Ambry Variant Classification Scheme 2023. Collection method: clinical testing. Allele origin: germline.

Fulgent Genetics
Classification: Uncertain significance for Cenani-Lenz syndactyly syndrome; Sclerosteosis 2; Congenital myasthenic syndrome 17. Last evaluated: 2022-04-11. Review status: criteria provided, single submitter. Criteria: ACMG Guidelines, 2015. Collection method: clinical testing. Allele origin: unknown.

GeneDx
Classification: Uncertain significance. Last evaluated: 2022-01-17. Review status: criteria provided, single submitter. Criteria: GeneDx Variant Classification Process June 2021. Collection method: clinical testing. Allele origin: germline. Affected: yes.
Comment: In silico analysis supports that this missense variant does not alter protein structure/function; Has not been previously published as pathogenic or benign to our knowledge

Dr. Peter K. Rogan Lab, Western University
No classification provided (evidence only). Condition: Hepatocellular carcinoma. Review status: no classification provided. Collection method: in vitro. Allele origin: not applicable. Functional consequence: retained intron. Not counted in ClinVar's aggregate classification.